The following is an entry in ClinVar:

NM_004360.5(CDH1):c.764A>G (p.Gln255Arg)

Gene: CDH1 (cadherin 1; plus strand). Cytogenetic location: 16q22.1.
Variant type: single nucleotide variant.
Coding change: c.764A>G on transcript NM_004360.5 (MANE Select); coding-DNA position 764, A replaced by G.
Protein change: p.Gln255Arg; replaces glutamine 255 with arginine.
Molecular consequence: missense variant. On other transcripts: 5 prime UTR variant (2).
Genome position (GRCh38, 1-based): chr16:68,810,273, A>G. VCF-style: chr16-68810273-A-G. GRCh37 (hg19) VCF-style: chr16-68844176-A-G.
Other names: c.764A>G, p.Gln255Arg (NM_001317184.2); c.-852A>G (NM_001317185.2); c.-1056A>G (NM_001317186.2); c.764A>G (NM_004360.4); short protein forms Q255R.
Identifiers: ClinVar variation 1519864 (VCV001519864.8), dbSNP rs2152131091, ClinGen allele CA396458630.
Genomic context (GRCh38, chr16:68,810,273, plus strand): 5'-TGTCATCCAACGGGAATGCAGTTGAGGATCCAATGGAGATTTTGATCACGGTAACCGATC[A>G]GAATGACAACAAGCCCGAATTCACCCAGGAGGTCTTTAAGGGGTCTGTCATGGAAGGTGC-3'
Protein context (NP_004351.1, residues 245-265): PMEILITVTD[Gln255Arg]NDNKPEFTQE

ClinVar aggregate classification (germline): Uncertain significance. Review status: criteria provided, multiple submitters, no conflicts (2 of 4 stars). 2 submissions from 2 submitters: Uncertain significance (2). Last evaluated 2022-08-01.

Conditions:
Hereditary diffuse gastric adenocarcinoma (HDGC). Also called: DIFFUSE GASTRIC AND LOBULAR BREAST CANCER SYNDROME. Identifiers: Orphanet 26106, MedGen C1708349, MONDO:0007648, OMIM 137215.

gnomAD v4.1: 2 of 1,614,194 alleles (0.00012%); highest among the groups gnomAD compares: Non-Finnish European, 0.00017%; no homozygotes.

Submissions (2):

European Reference Network on Genetic Tumour Risk Syndromes (ERN-GENTURIS), i3s - Instituto de Investigação e Inovação em Saúde, University of Porto
Classification: Uncertain significance for Hereditary diffuse gastric adenocarcinoma. Last evaluated: 2022-08-01. Review status: criteria provided, single submitter. Criteria: Lee et al. (Hum Mutat. 2018). Collection method: clinical testing. Allele origin: germline. Inheritance: Autosomal dominant inheritance. Affected: no. Study: ERN GENTURIS.
Comment: PM2 (PMID: 30311375)

Labcorp Genetics (formerly Invitae), Labcorp
Classification: Uncertain significance for Hereditary diffuse gastric adenocarcinoma. Last evaluated: 2021-07-17. Review status: criteria provided, single submitter. Criteria: Invitae Variant Classification Sherloc (09022015). Collection method: clinical testing. Allele origin: germline.
Comment: This sequence change replaces glutamine with arginine at codon 255 of the CDH1 protein (p.Gln255Arg). The glutamine residue is highly conserved and there is a small physicochemical difference between glutamine and arginine. This variant is not present in population databases (ExAC no frequency). This variant has not been reported in the literature in individuals affected with CDH1-related conditions. Algorithms developed to predict the effect of missense changes on protein structure and function (SIFT, PolyPhen-2, Align-GVGD) all suggest that this variant is likely to be disruptive. In summary, the available evidence is currently insufficient to determine the role of this variant in disease. Therefore, it has been classified as a Variant of Uncertain Significance.

Literature cited by the submitters: PubMed 36436516 (cited by European Reference Network on Genetic Tumour Risk Syndromes (ERN-GENTURIS), i3s - Instituto de Investigação e Inovação em Saúde, University of Porto).